The following is an entry in ClinVar:

ClinVar aggregate classification (germline): Uncertain significance (1 of 4 stars; one submission).

Conditions:
Inborn genetic diseases. Identifiers: MedGen C0950123, MeSH D030342.

Submission:

Ambry Genetics
Classification: Uncertain significance for Inborn genetic diseases. Last evaluated: 2026-03-28. Review status: criteria provided, single submitter. Criteria: Ambry Variant Classification Scheme 2023. Collection method: clinical testing. Allele origin: germline.
Comment: The p.R191G variant (also known as c.571A>G), located in coding exon 5 of the USB1 gene, results from an A to G substitution at nucleotide position 571. The arginine at codon 191 is replaced by glycine, an amino acid with dissimilar properties. This amino acid position is conserved. In addition, this alteration is predicted to be tolerated by in silico analysis. Based on the available evidence, the clinical significance of this variant remains unclear.

NM_024598.4(USB1):c.571A>G (p.Arg191Gly)

Gene: USB1 (U6 snRNA biogenesis phosphodiesterase 1; plus strand). Cytogenetic location: 16q21.
Variant type: single nucleotide variant.
Coding change: c.571A>G on transcript NM_024598.4 (MANE Select); coding-DNA position 571, A replaced by G.
Protein change: p.Arg191Gly; replaces arginine 191 with glycine.
Molecular consequence: missense variant.
Genome position (GRCh38, 1-based): chr16:58,017,401, A>G. VCF-style: chr16-58017401-A-G. GRCh37 (hg19) VCF-style: chr16-58051305-A-G.
Other names: c.517A>G, p.Arg173Gly (NM_001195302.2); c.418A>G, p.Arg140Gly (NM_001330568.2); short protein forms R140G, R173G, R191G.
Identifiers: ClinVar variation 4866345 (VCV004866345.1).
Genomic context (GRCh38, chr16:58,017,401, plus strand): 5'-ATTGGGCTTGAGGTCACTTCAGGGCATGCCCAGTTCCTGGACCTGGTTTCAGAGGTGGAC[A>G]GAGTCATGGAGGAATTCAACCTCACCACTTTCTACCAGGTAATGAATGGGGCTGCTGCTT-3'
Protein context (NP_078874.2, residues 181-201): QFLDLVSEVD[Arg191Gly]VMEEFNLTTF